The following is an entry in ClinVar:

ClinVar aggregate classification (germline): Pathogenic (0 of 4 stars; one submission).

Conditions:
Steinert myotonic dystrophy syndrome (DM1). Also called: STEINERT DISEASE; Myotonic dystrophy type 1; Dystrophia myotonica type 1; Steinert myotonic dystrophy; Steinert's disease. Identifiers: Orphanet 273, MedGen C3250443, MONDO:0008056, OMIM 160900.

Submission:

Institute of Molecular, Cell and Systems Biology, University of Glasgow
Classification: Pathogenic for Steinert myotonic dystrophy syndrome. Review status: no assertion criteria provided. Criteria: research. Collection method: research. Allele origin: germline. Inheritance: Autosomal dominant inheritance. Affected: yes. Observed: 1 heterozygote.
Comment: DMPK CTG repeat expansions greater than approximately 45-50 repeats are assumed to be pathogenic

This record is based on data published in PubMed 25052313, which reports only ClinVar accessions SCV000120188 and SCV000120189. The complete data set includes SCV000207445 - SCV000207579.

Literature cited by the submitters: PubMed 1346923; PubMed 1546326; PubMed 25052313.

NM_004409.5(DMPK):c.*224CTG[333]

Genes: DM1-AS (DM1 locus antisense RNA; plus strand), DMPK (DM1 protein kinase; minus strand), LOC107075317 (origin of replication in DMPK trinucleotide repeat region; plus strand), LOC109461477 (dystrophia myotonica protein kinase repeat instability region; plus strand). Cytogenetic location: 19q13.32.
Variant type: Microsatellite.
Coding change: c.*224CTG[333] on transcript NM_004409.5 (MANE Select); 333 copies in a row of the 3-base unit CTG starting at c.*224.
Molecular consequence: 3 prime UTR variant.
Genome position: GRCh38, VCF-style position (the base before the change): chr19:45,770,204. GRCh37 (hg19), VCF-style position (the base before the change): chr19:46,273,462.
Other names: DM1 CTG repeat expansion; c.*224CTG[333] (NM_001081560.3, NM_001288764.2, NM_001424165.1 and 1 more transcripts); c.*217CTG[333] (NM_001081562.3, NM_001288765.2, NM_001424162.1 and 2 more transcripts); c.*222_*224TGC[333] (NM_001081563.3); c.*369CTG[333] (NM_001288766.2, NM_001424164.1, NM_001424168.1).
Identifiers: ClinVar variation 187959 (VCV000187959.2), ClinGen allele CA915951765.